The following is an entry in ClinVar:

NM_004048.4(B2M):c.50G>A (p.Gly17Asp)

Gene: B2M (beta-2-microglobulin; plus strand). Cytogenetic location: 15q21.1.
Variant type: single nucleotide variant.
Coding change: c.50G>A on transcript NM_004048.4 (MANE Select); coding-DNA position 50, G replaced by A.
Protein change: p.Gly17Asp; replaces glycine 17 with aspartic acid.
Molecular consequence: missense variant.
Genome position (GRCh38, 1-based): chr15:44,711,596, G>A. VCF-style: chr15-44711596-G-A. GRCh37 (hg19) VCF-style: chr15-45003794-G-A.
Other names: short protein forms G17D.
Identifiers: ClinVar variation 1468686 (VCV001468686.3), dbSNP rs1196771735, ClinGen allele CA392232217.

ClinVar aggregate classification (germline): Uncertain significance (1 of 4 stars; one submission).

Conditions:
Hypoproteinemia, hypercatabolic (IMD43). Also called: IMMUNODEFICIENCY 43; BETA-2-MICROGLOBULIN DEFICIENCY; B2M DEFICIENCY; MHC CLASS I DEFICIENCY 4. Identifiers: MedGen C1855796, MONDO:0009434, OMIM 241600.

Allele frequency attached by ClinVar (database versions not stated): gnomAD 0.00001; gnomAD exomes 0.00001; TOPMed 0.00001.
gnomAD v4.1: 5 of 1,613,670 alleles (0.00031%); highest among the groups gnomAD compares: Admixed American, 0.0067%; no homozygotes.

Submission:

Labcorp Genetics (formerly Invitae), Labcorp
Classification: Uncertain significance for Hypoproteinemia, hypercatabolic. Last evaluated: 2022-01-19. Review status: criteria provided, single submitter. Criteria: Invitae Variant Classification Sherloc (09022015). Collection method: clinical testing. Allele origin: germline.
Comment: This sequence change replaces glycine, which is neutral and non-polar, with aspartic acid, which is acidic and polar, at codon 17 of the B2M protein (p.Gly17Asp). This variant is present in population databases (no rsID available, gnomAD 0.01%). This variant has not been reported in the literature in individuals affected with B2M-related conditions. Algorithms developed to predict the effect of missense changes on protein structure and function are either unavailable or do not agree on the potential impact of this missense change (SIFT: "Tolerated"; PolyPhen-2: "Possibly Damaging"; Align-GVGD: "Class C0"). In summary, the available evidence is currently insufficient to determine the role of this variant in disease. Therefore, it has been classified as a Variant of Uncertain Significance.